The following is an entry in ClinVar:

ClinVar aggregate classification (germline): Pathogenic (1 of 4 stars; one submission).

Conditions:
Episodic ataxia type 2 (EA2). Also called: CEREBELLAR ATAXIA, PAROXYSMAL, ACETAZOLAMIDE-RESPONSIVE; CEREBELLOPATHY, HEREDITARY PAROXYSMAL; EPISODIC ATAXIA, NYSTAGMUS-ASSOCIATED; ACETAZOLAMIDE-RESPONSIVE HEREDITARY PAROXYSMAL CEREBELLAR ATAXIA; ATAXIA, EPISODIC, WITH NYSTAGMUS; ATAXIA, FAMILIAL PAROXYSMAL. Identifiers: Orphanet 97, MedGen C1720416, MONDO:0007163, OMIM 108500.
Developmental and epileptic encephalopathy, 42 (DEE42A). Also called: Epileptic encephalopathy, early infantile, 42; DEVELOPMENTAL AND EPILEPTIC ENCEPHALOPATHY 42A; EPILEPTIC ENCEPHALOPATHY, EARLY INFANTILE, 42A. Identifiers: MedGen C4310716, MONDO:0014917, OMIM 617106.

Submission:

Labcorp Genetics (formerly Invitae), Labcorp
Classification: Pathogenic for Developmental and epileptic encephalopathy, 42; Episodic ataxia type 2. Last evaluated: 2024-04-06. Review status: criteria provided, single submitter. Criteria: Invitae Variant Classification Sherloc (09022015). Collection method: clinical testing. Allele origin: germline.
Comment: This sequence change creates a premature translational stop signal (p.Leu324Profs*4) in the CACNA1A gene. It is expected to result in an absent or disrupted protein product. Loss-of-function variants in CACNA1A are known to be pathogenic (PMID: 10371528, 19486177, 25735478, 27250579). This variant is not present in population databases (gnomAD no frequency). This variant has not been reported in the literature in individuals affected with CACNA1A-related conditions. For these reasons, this variant has been classified as Pathogenic.

Literature cited by the submitters: PubMed 10371528; PubMed 19486177; PubMed 25735478; PubMed 27250579.

NM_001127222.2(CACNA1A):c.970dup (p.Leu324fs)

Gene: CACNA1A (calcium voltage-gated channel subunit alpha1 A; minus strand). Cytogenetic location: 19p13.13.
Variant type: Duplication.
Coding change: c.970dup on transcript NM_001127222.2 (MANE Select); coding-DNA position 970, one base duplicated (C; older notation c.970dupC).
Protein change: p.Leu324fs; shifts the reading frame from leucine 324.
Molecular consequence: frameshift variant.
Genome position (GRCh38, 1-based): chr19:13,359,614, G duplicated on the plus strand (C on the coding strand, the reverse complement: CACNA1A is on the minus strand); the first of 2 consecutive G bases (chr19:13,359,614-13,359,615); duplicating either gives the same sequence. VCF-style (leftmost placement, unchanged base first): chr19-13359613-A-AG. GRCh37 (hg19) VCF-style: chr19-13470427-A-AG.
Other names: c.970dup, p.Leu324fs (NM_000068.4, NM_001127221.2, NM_001174080.2 and 1 more transcripts); short protein forms L324fs.
Identifiers: ClinVar variation 2951332 (VCV002951332.3), dbSNP rs2513151718, ClinGen allele CA2740091953.